The following is an entry in ClinVar:

NM_015559.3(SETBP1):c.2341A>G (p.Thr781Ala)

Gene: SETBP1 (SET binding protein 1; plus strand). Cytogenetic location: 18q12.3.
Variant type: single nucleotide variant.
Coding change: c.2341A>G on transcript NM_015559.3 (MANE Select); coding-DNA position 2341, A replaced by G.
Protein change: p.Thr781Ala; replaces threonine 781 with alanine.
Molecular consequence: missense variant.
Genome position (GRCh38, 1-based): chr18:44,951,681, A>G. VCF-style: chr18-44951681-A-G. GRCh37 (hg19) VCF-style: chr18-42531646-A-G.
Other names: c.2341A>G (NM_015559.2); c.2341A>G, p.Thr781Ala (NM_001379141.1, NM_001379142.1); short protein forms T781A.
Identifiers: ClinVar variation 1448035 (VCV001448035.9), dbSNP rs1382075763, ClinGen allele CA402320971.

ClinVar aggregate classification (germline): Uncertain significance. Review status: criteria provided, multiple submitters, no conflicts (2 of 4 stars). 2 submissions from 2 submitters: Uncertain significance (2). Last evaluated 2026-03-31.

Conditions:
SETBP1-related disorder. Also called: SETBP1-related condition; SETBP1-related disorders.

Allele frequency attached by ClinVar (database versions not stated): gnomAD 0.00001; TOPMed 0.00001.
gnomAD v4.1: 1 of 1,613,990 alleles (0.000062%); highest among the groups gnomAD compares: African/African-American, 0.0013%; no homozygotes.

Submissions (2):

PreventionGenetics, part of Exact Sciences
Classification: Uncertain significance for SETBP1-related condition. Last evaluated: 2026-03-31. Review status: criteria provided, single submitter. Criteria: ACMG Guidelines, 2015. Collection method: clinical testing. Allele origin: germline.
Comment: The SETBP1 c.2341A>G variant is predicted to result in the amino acid substitution p.Thr781Ala. To our knowledge, this variant has not been reported in the literature or in a large population database (gnomAD), indicating this variant is rare. At this time, the clinical significance of this variant is uncertain due to the absence of conclusive functional and genetic evidence.

Labcorp Genetics (formerly Invitae), Labcorp
Classification: Uncertain significance. Last evaluated: 2023-10-10. Review status: criteria provided, single submitter. Criteria: Invitae Variant Classification Sherloc (09022015). Collection method: clinical testing. Allele origin: germline.
Comment: This sequence change replaces threonine, which is neutral and polar, with alanine, which is neutral and non-polar, at codon 781 of the SETBP1 protein (p.Thr781Ala). This variant is not present in population databases (gnomAD no frequency). This variant has not been reported in the literature in individuals affected with SETBP1-related conditions. ClinVar contains an entry for this variant (Variation ID: 1448035). Advanced modeling of protein sequence and biophysical properties (such as structural, functional, and spatial information, amino acid conservation, physicochemical variation, residue mobility, and thermodynamic stability) performed at Invitae indicates that this missense variant is not expected to disrupt SETBP1 protein function. In summary, the available evidence is currently insufficient to determine the role of this variant in disease. Therefore, it has been classified as a Variant of Uncertain Significance.